The following is an entry in ClinVar:

ClinVar aggregate classification (germline): Likely benign (1 of 4 stars; one submission).

Submission:

CeGaT Center for Human Genetics Tuebingen
Classification: Likely benign. Last evaluated: 2024-08-01. Review status: criteria provided, single submitter. Criteria: CeGaT Center For Human Genetics Tuebingen Variant Classification Criteria Version 2. Collection method: clinical testing. Allele origin: germline. Affected: yes. Observed: 1 variant allele.
Comment: AHNAK2: BP4, BS2

NM_138420.4(AHNAK2):c.3127A>G (p.Thr1043Ala)

Gene: AHNAK2 (AHNAK nucleoprotein 2; minus strand). Cytogenetic location: 14q32.33.
Variant type: single nucleotide variant.
Coding change: c.3127A>G on transcript NM_138420.4 (MANE Select); coding-DNA position 3127, A replaced by G.
Protein change: p.Thr1043Ala; replaces threonine 1043 with alanine.
Molecular consequence: missense variant.
Genome position (GRCh38, 1-based): chr14:104,952,324, T>C on the plus strand (A>G on the coding strand, the complement: AHNAK2 is on the minus strand). VCF-style: chr14-104952324-T-C. GRCh37 (hg19) VCF-style: chr14-105418661-T-C.
Other names: c.2827A>G, p.Thr943Ala (NM_001350929.2); short protein forms T1043A, T943A.
Identifiers: ClinVar variation 3341705 (VCV003341705.16).